The following is an entry in ClinVar:

NM_000827.4(GRIA1):c.601G>A (p.Val201Met)

Gene: GRIA1 (glutamate ionotropic receptor AMPA type subunit 1; plus strand). Cytogenetic location: 5q33.2.
Variant type: single nucleotide variant.
Coding change: c.601G>A on transcript NM_000827.4 (MANE Select); coding-DNA position 601, G replaced by A.
Protein change: p.Val201Met; replaces valine 201 with methionine.
Molecular consequence: missense variant. On other transcripts: non-coding transcript variant (2).
Genome position (GRCh38, 1-based): chr5:153,650,470, G>A. VCF-style: chr5-153650470-G-A. GRCh37 (hg19) VCF-style: chr5-153030030-G-A.
Other names: c.601G>A, p.Val201Met (NM_001114183.2, NM_001364165.2); c.361G>A, p.Val121Met (NM_001258019.2); c.316G>A, p.Val106Met (NM_001258020.2); c.631G>A, p.Val211Met (NM_001258021.2, NM_001258022.2); c.394G>A, p.Val132Met (NM_001258023.1, NM_001364167.2); c.628G>A, p.Val210Met (NM_001364166.2); short protein forms V121M, V106M, V132M, V201M, V210M, V211M.
Identifiers: ClinVar variation 2725410 (VCV002725410.3), dbSNP rs2149458073, ClinGen allele CA361907479.
Genomic context (GRCh38, chr5:153,650,470, plus strand): 5'-ACAGAGGAGGGATACCGGATGCTCTTTCAGGACCTGGAGAAGAAAAAGGAGCGGCTGGTG[G>A]TGGTGGACTGTGAATCAGAACGCCTCAATGCTATCTTGGGCCAGGTAGTGAAAGCAGCAA-3'
Protein context (NP_000818.2, residues 191-211): DLEKKKERLV[Val201Met]VDCESERLNA

ClinVar aggregate classification (germline): Uncertain significance (1 of 4 stars; one submission).

Allele frequency attached by ClinVar (database versions not stated): gnomAD exomes below 0.00001.
gnomAD v4.1: 1 of 1,613,962 alleles (0.000062%); highest among the groups gnomAD compares: Admixed American, 0.0017%; no homozygotes.

Submission:

Labcorp Genetics (formerly Invitae), Labcorp
Classification: Uncertain significance. Last evaluated: 2025-07-08. Review status: criteria provided, single submitter. Criteria: Invitae Variant Classification Sherloc (09022015). Collection method: clinical testing. Allele origin: germline.
Comment: This sequence change replaces valine, which is neutral and non-polar, with methionine, which is neutral and non-polar, at codon 201 of the GRIA1 protein (p.Val201Met). This variant is not present in population databases (gnomAD no frequency). This variant has not been reported in the literature in individuals affected with GRIA1-related conditions. ClinVar contains an entry for this variant (Variation ID: 2725410). Invitae Evidence Modeling of protein sequence and biophysical properties (such as structural, functional, and spatial information, amino acid conservation, physicochemical variation, residue mobility, and thermodynamic stability) indicates that this missense variant is not expected to disrupt GRIA1 protein function with a negative predictive value of 80%. In summary, the available evidence is currently insufficient to determine the role of this variant in disease. Therefore, it has been classified as a Variant of Uncertain Significance.